The following is an entry in ClinVar:

ClinVar aggregate classification (germline): Benign (1 of 4 stars; one submission).

Allele frequency attached by ClinVar (database versions not stated): 1000 Genomes Project 0.12859; 1000 Genomes Project 30x 0.13226; gnomAD 0.16136 and 0.16517; TOPMed 0.17356.
gnomAD v4.1: 24,570 of 152,142 alleles (16%); highest among the groups gnomAD compares: Middle Eastern, 34%; 2,228 homozygotes.

Submission:

GeneDx
Classification: Benign. Last evaluated: 2018-06-14. Review status: criteria provided, single submitter. Criteria: GeneDx Variant Classification (06012015). Collection method: clinical testing. Allele origin: germline. Affected: yes.
Comment: This variant is considered likely benign or benign based on one or more of the following criteria: it is a conservative change, it occurs at a poorly conserved position in the protein, it is predicted to be benign by multiple in silico algorithms, and/or has population frequency not consistent with disease.

NM_005506.4(SCARB2):c.118-292C>T

Gene: SCARB2 (scavenger receptor class B member 2; minus strand). Cytogenetic location: 4q21.1.
Variant type: single nucleotide variant.
Coding change: c.118-292C>T on transcript NM_005506.4 (MANE Select); 292 bases into the intron before coding-DNA position 118, C replaced by T.
Molecular consequence: intron variant.
Genome position (GRCh38, 1-based): chr4:76,196,156, G>A on the plus strand (C>T on the coding strand, the complement: SCARB2 is on the minus strand). VCF-style: chr4-76196156-G-A. GRCh37 (hg19) VCF-style: chr4-77117309-G-A.
Other names: c.118-292C>T (NM_001204255.2).
Identifiers: ClinVar variation 684199 (VCV000684199.1), dbSNP rs6835324, ClinGen allele CA11891922.